The following is an entry in ClinVar:

NM_172107.4(KCNQ2):c.2357C>T (p.Thr786Met)

Gene: KCNQ2 (potassium voltage-gated channel subfamily Q member 2; minus strand). Cytogenetic location: 20q13.33.
Variant type: single nucleotide variant.
Coding change: c.2357C>T on transcript NM_172107.4 (MANE Select); coding-DNA position 2357, C replaced by T.
Protein change: p.Thr786Met; replaces threonine 786 with methionine.
Molecular consequence: missense variant.
Genome position (GRCh38, 1-based): chr20:63,406,906, G>A on the plus strand (C>T on the coding strand, the complement: KCNQ2 is on the minus strand). VCF-style: chr20-63406906-G-A. GRCh37 (hg19) VCF-style: chr20-62038259-G-A.
Other names: c.2273C>T, p.Thr758Met (NM_004518.6); c.2303C>T, p.Thr768Met (NM_172106.3); c.2264C>T, p.Thr755Met (NM_172108.5); short protein forms T768M, T758M, T755M, T786M.
Identifiers: ClinVar variation 852085 (VCV000852085.3), dbSNP rs754872408, ClinGen allele CA9958089.

ClinVar aggregate classification (germline): Uncertain significance. Review status: criteria provided, multiple submitters, no conflicts (2 of 4 stars). 2 submissions from 2 submitters: Uncertain significance (2). Last evaluated 2023-09-29.

Conditions:
Developmental and epileptic encephalopathy. Identifiers: MedGen C5779964, MONDO:0100620.

Allele frequency attached by ClinVar (database versions not stated): ExAC 0.00002.
gnomAD v4.1: 1 of 1,610,668 alleles (0.000062%); highest among the groups gnomAD compares: Non-Finnish European, 0.000085%; no homozygotes.

Submissions (2):

GeneDx
Classification: Uncertain significance. Last evaluated: 2023-09-29. Review status: criteria provided, single submitter. Criteria: GeneDx Variant Classification Process June 2021. Collection method: clinical testing. Allele origin: germline. Affected: yes.
Comment: This substitution is predicted to be within the C-terminal cytoplasmic domain.; In silico analysis supports that this missense variant does not alter protein structure/function; Not observed at significant frequency in large population cohorts (gnomAD); Missense variants in this gene are often considered pathogenic (HGMD); Has not been previously published as pathogenic or benign to our knowledge

Labcorp Genetics (formerly Invitae), Labcorp
Classification: Uncertain significance for Early infantile epileptic encephalopathy with suppression bursts. Last evaluated: 2019-01-23. Review status: criteria provided, single submitter. Criteria: Invitae Variant Classification Sherloc (09022015). Collection method: clinical testing. Allele origin: germline.
Comment: This sequence change replaces threonine with methionine at codon 786 of the KCNQ2 protein (p.Thr786Met). The threonine residue is moderately conserved and there is a moderate physicochemical difference between threonine and methionine. This variant is present in population databases (rs754872408, ExAC 0.01%). This variant has not been reported in the literature in individuals with KCNQ2-related conditions. Algorithms developed to predict the effect of missense changes on protein structure and function are either unavailable or do not agree on the potential impact of this missense change (SIFT: "Deleterious"; PolyPhen-2: "Probably Damaging"; Align-GVGD: "Class C0"). In summary, the available evidence is currently insufficient to determine the role of this variant in disease. Therefore, it has been classified as a Variant of Uncertain Significance.